The following is an entry in ClinVar:

ClinVar aggregate classification (germline): Uncertain significance. Review status: criteria provided, multiple submitters, no conflicts (2 of 4 stars). 2 submissions from 2 submitters: Uncertain significance (2). Last evaluated 2024-06-11.

Conditions:
Congenital adrenal hypoplasia, X-linked (AHC). Also called: Isolated X-Linked Adrenal Hypoplasia Congenita; ADRENAL HYPOPLASIA, CONGENITAL, WITH HYPOGONADOTROPIC HYPOGONADISM; X-linked AHC; X-Linked Adrenal Hypoplasia Congenita. Identifiers: Orphanet 95702, MedGen C0342482, MONDO:0010264, OMIM 300200. Disease mechanism: loss of function.
46,XY sex reversal 2. Also called: NR0B1-Related 46,XY CGD; NR0B1-related 46,XY complete gonadal dysgenesis; 46,XY SEX REVERSAL, DAX1-RELATED; 46XY sex reversal 2, dosage-sensitive; Dosage-sensitive sex reversal. Identifiers: MedGen C1848296, MONDO:0010226, OMIM 300018.

Submissions (2):

Labcorp Genetics (formerly Invitae), Labcorp
Classification: Uncertain significance for Congenital adrenal hypoplasia, X-linked; 46,XY sex reversal 2. Last evaluated: 2024-06-11. Review status: criteria provided, single submitter. Criteria: Invitae Variant Classification Sherloc (09022015). Collection method: clinical testing. Allele origin: germline.
Comment: This sequence change replaces serine, which is neutral and polar, with asparagine, which is neutral and polar, at codon 86 of the NR0B1 protein (p.Ser86Asn). This variant is present in population databases (rs199525782, gnomAD 0.02%). This variant has not been reported in the literature in individuals affected with NR0B1-related conditions. Advanced modeling of protein sequence and biophysical properties (such as structural, functional, and spatial information, amino acid conservation, physicochemical variation, residue mobility, and thermodynamic stability) performed at Invitae indicates that this missense variant is not expected to disrupt NR0B1 protein function with a negative predictive value of 80%. In summary, the available evidence is currently insufficient to determine the role of this variant in disease. Therefore, it has been classified as a Variant of Uncertain Significance.

Fulgent Genetics
Classification: Uncertain significance for 46,XY sex reversal 2; Congenital adrenal hypoplasia, X-linked. Last evaluated: 2024-04-29. Review status: criteria provided, single submitter. Criteria: ACMG Guidelines, 2015. Collection method: clinical testing. Allele origin: germline.

NM_000475.5(NR0B1):c.257G>A (p.Ser86Asn)

Gene: NR0B1 (nuclear receptor subfamily 0 group B member 1; minus strand). Cytogenetic location: Xp21.2.
Variant type: single nucleotide variant.
Coding change: c.257G>A on transcript NM_000475.5 (MANE Select); coding-DNA position 257, G replaced by A.
Protein change: p.Ser86Asn; replaces serine 86 with asparagine.
Molecular consequence: missense variant.
Genome position (GRCh38, 1-based): chrX:30,309,107, C>T on the plus strand (G>A on the coding strand, the complement: NR0B1 is on the minus strand). VCF-style: chrX-30309107-C-T. GRCh37 (hg19) VCF-style: chrX-30327224-C-T.
Other names: short protein forms S86N.
Identifiers: ClinVar variation 3598265 (VCV003598265.3).
Genomic context (GRCh38, chrX:30,309,107, plus strand): 5'-CCCCAGCACGGACCCAGCGTCGCCTCGGGCGCCTTCGGTGCCGCGTACGTTTGCTTTGCG[C>T]TCGTCAGCATGCTGTAGAGGATGCTGCCCTGCCGTGGGTGGTCTTTACCGCAAAAGCAGC-3'
Protein context (NP_000466.2, residues 76-96): QGSILYSMLT[Ser86Asn]AKQTYAAPKA